The following is an entry in ClinVar:

NM_002474.3(MYH11):c.4673C>T (p.Thr1558Met)

Genes: MYH11 (myosin heavy chain 11; minus strand), NDE1 (nudE neurodevelopment protein 1; plus strand). Cytogenetic location: 16p13.11.
Variant type: single nucleotide variant.
Coding change: c.4673C>T on transcript NM_002474.3 (MANE Select); coding-DNA position 4673, C replaced by T.
Protein change: p.Thr1558Met; replaces threonine 1558 with methionine.
Molecular consequence: missense variant. On other transcripts: intron variant (2).
Genome position (GRCh38, 1-based): chr16:15,720,957, G>A on the plus strand (C>T on the coding strand, the complement: MYH11 is on the minus strand). VCF-style: chr16-15720957-G-A. GRCh37 (hg19) VCF-style: chr16-15814814-G-A.
Other names: p.T1558M:ACG>ATG; p.Thr1565Met; c.4694C>T, p.Thr1565Met (NM_001040113.2, NM_001040114.2); c.4673C>T, p.Thr1558Met (NM_022844.3); c.948-3234G>A (NM_001143979.2, NM_017668.3); short protein forms T1565M, T1558M.
Identifiers: ClinVar variation 180419 (VCV000180419.65), dbSNP rs111854563, ClinGen allele CA346466.

ClinVar aggregate classification (germline): Conflicting classifications of pathogenicity. Review status: criteria provided, conflicting classifications (1 of 4 stars). 14 submissions from 14 submitters: Uncertain significance (1); Benign (3); Likely benign (9). 1 of the submissions does not count toward it. Last evaluated 2026-03-01.

Conditions:
MYH11-related disorder. Also called: MYH11-related condition.
Isolated thoracic aortic aneurysm.
Aortic aneurysm, familial thoracic 4 (AAT4). Also called: AORTIC ANEURYSM/AORTIC DISSECTION AND PATENT DUCTUS ARTERIOSUS. Identifiers: MedGen C1851504, MONDO:0007568, OMIM 132900.
Familial thoracic aortic aneurysm and aortic dissection (TAAD). Also called: Thoracic aortic aneurysms and dissections. Identifiers: Orphanet 91387, MedGen C4707243, MONDO:0019625.

Allele frequency attached by ClinVar (database versions not stated): 1000 Genomes Project 0.00020; 1000 Genomes Project 30x 0.00047; TOPMed 0.00050; ESP Exome Variant Server 0.00054; gnomAD exomes 0.00068 and 0.00087; gnomAD 0.00075 and 0.00078.
gnomAD v4.1: 1,368 of 1,613,960 alleles (0.085%); highest among the groups gnomAD compares: Non-Finnish European, 0.1%; 3 homozygotes.

Submissions (14):

CeGaT Center for Human Genetics Tuebingen
Classification: Likely benign. Last evaluated: 2026-03-01. Review status: criteria provided, single submitter. Criteria: CeGaT Center For Human Genetics Tuebingen Variant Classification Criteria Version 2. Collection method: clinical testing. Allele origin: germline. Affected: yes. Observed: 4 variant alleles.
Comment: MYH11: PP3, BS1

Labcorp Genetics (formerly Invitae), Labcorp
Classification: Likely benign for Aortic aneurysm, familial thoracic 4. Last evaluated: 2026-02-03. Review status: criteria provided, single submitter. Criteria: Invitae Variant Classification Sherloc (09022015). Collection method: clinical testing. Allele origin: germline.

Mayo Clinic Laboratories, Mayo Clinic
Classification: Likely benign. Last evaluated: 2025-02-13. Review status: criteria provided, single submitter. Criteria: ACMG Guidelines, 2015. Collection method: clinical testing. Allele origin: germline. Observed: 3 variant alleles.
Comment: BS1, BS2_supporting

Blueprint Genetics
Classification: Likely benign. Last evaluated: 2024-11-26. Review status: criteria provided, single submitter. Criteria: ACMG Guidelines, 2015. Collection method: clinical testing. Allele origin: germline.

All of Us Research Program, National Institutes of Health
Classification: Likely benign for Familial thoracic aortic aneurysm and aortic dissection. Last evaluated: 2024-09-25. Review status: criteria provided, single submitter. Criteria: ACMG Guidelines, 2015. Collection method: clinical testing. Allele origin: germline. Inheritance: Autosomal dominant inheritance. Observed: 254 variant alleles, 254 heterozygotes.
Comment: This study involves interpretation of variants in research participants for the purpose of population health screening. Participant phenotype was not available at the time of variant classification. Additional details can be found in publication PMID: 35346344, PMCID: PMC8962531

ARUP Laboratories, Molecular Genetics and Genomics, ARUP Laboratories
Classification: Likely benign. Last evaluated: 2023-05-02. Review status: criteria provided, single submitter. Criteria: ARUP Molecular Germline Variant Investigation Process 2024. Collection method: clinical testing. Allele origin: germline.

GeneDx
Classification: Likely benign. Last evaluated: 2020-09-25. Review status: criteria provided, single submitter. Criteria: GeneDx Variant Classification Process June 2021. Collection method: clinical testing. Allele origin: germline. Affected: yes.
Comment: This variant is associated with the following publications: (PMID: 23142374, 26017485, 27647783)

CHEO Genetics Diagnostic Laboratory, Children's Hospital of Eastern Ontario
Classification: Benign for Familial thoracic aortic aneurysm and aortic dissection. Last evaluated: 2018-10-30. Review status: criteria provided, single submitter. Criteria: ACMG Guidelines, 2015. Collection method: clinical testing. Allele origin: germline.

Color Diagnostics, LLC DBA Color Health
Classification: Likely benign for Familial thoracic aortic aneurysm and aortic dissection. Last evaluated: 2018-10-24. Review status: criteria provided, single submitter. Criteria: ACMG Guidelines, 2015. Collection method: clinical testing. Allele origin: germline.

Department of Vascular Biology, Beijing Anzhen Hospital
Classification: Uncertain significance for Isolated thoracic aortic aneurysm. Last evaluated: 2018-09-01. Review status: criteria provided, single submitter. Criteria: ACMG Guidelines, 2015. Collection method: research. Allele origin: germline. Affected: yes.

Ambry Genetics
Classification: Likely benign for Familial thoracic aortic aneurysm and aortic dissection. Last evaluated: 2018-05-08. Review status: criteria provided, single submitter. Criteria: Ambry Variant Classification Scheme 2023. Collection method: clinical testing. Allele origin: germline.

Illumina Laboratory Services, Illumina
Classification: Benign for Aortic aneurysm, familial thoracic 4. Last evaluated: 2017-09-14. Review status: criteria provided, single submitter. Criteria: ICSL Variant Classification Criteria 13 December 2019. Collection method: clinical testing. Allele origin: germline.
Comment: This variant was observed as part of a predisposition screen in an ostensibly healthy population. A literature search was performed for the gene, cDNA change, and amino acid change (where applicable). Publications were found based on this search. The evidence from the literature, in combination with allele frequency data from public databases where available, was sufficient to rule this variant out of causing disease. Therefore, this variant is classified as benign.

Women's Health and Genetics/Laboratory Corporation of America, LabCorp
Classification: Benign. Last evaluated: 2016-02-22. Review status: criteria provided, single submitter. Criteria: LabCorp Variant Classification Summary - May 2015. Collection method: clinical testing. Allele origin: germline.
Comment: Variant summary: This c.4694C>T variant affects a conserved nucleotide, resulting in amino acid change from Thr to Met. 3/4 in-silico tools predict this variant to be damaging; however they are not definite. This variant was found in 94/122406 control chromosomes at a frequency of 0.0007679, which is more than 613 times greater than the maximal expected frequency of a pathogenic allele (0.0000013) in this gene, suggesting this variant is benign. At least one clinical lab has classified this variant as likely benign. Taken together, this variant has been classified as Benign.

PreventionGenetics, part of Exact Sciences
Classification: Likely benign for MYH11-related condition. Last evaluated: 2022-12-21. Review status: no assertion criteria provided. Collection method: clinical testing. Allele origin: germline. Not counted in ClinVar's aggregate classification.
Comment: This variant is classified as likely benign based on ACMG/AMP sequence variant interpretation guidelines (Richards et al. 2015 PMID: 25741868, with internal and published modifications).

Literature cited by the submitters: PubMed 23142374 (cited by 4 submitters); PubMed 26017485 (cited by 4 submitters); PubMed 33824467 (cited by Mayo Clinic Laboratories, Mayo Clinic).